The following is an entry in ClinVar:

NM_000264.5(PTCH1):c.838G>A (p.Glu280Lys)

Gene: PTCH1 (patched 1; minus strand). Cytogenetic location: 9q22.32.
Variant type: single nucleotide variant.
Coding change: c.838G>A on transcript NM_000264.5 (MANE Select); coding-DNA position 838, G replaced by A.
Protein change: p.Glu280Lys; replaces glutamic acid 280 with lysine.
Molecular consequence: missense variant. On other transcripts: non-coding transcript variant (1).
Genome position (GRCh38, 1-based): chr9:95,480,497, C>T on the plus strand (G>A on the coding strand, the complement: PTCH1 is on the minus strand). VCF-style: chr9-95480497-C-T. GRCh37 (hg19) VCF-style: chr9-98242779-C-T.
Other names: c.640G>A, p.Glu214Lys (NM_001083602.3); c.835G>A, p.Glu279Lys (NM_001083603.3); c.385G>A, p.Glu129Lys (NM_001083604.3, NM_001083605.3, NM_001083606.3 and 1 more transcripts); c.838G>A, p.Glu280Lys (NM_001354918.2); short protein forms E280K, E214K, E279K, E129K.
Identifiers: ClinVar variation 1979317 (VCV001979317.5), dbSNP rs2118420430, ClinGen allele CA374114100.

ClinVar aggregate classification (germline): Uncertain significance. Review status: criteria provided, multiple submitters, no conflicts (2 of 4 stars). 2 submissions from 2 submitters: Uncertain significance (2). Last evaluated 2025-10-03.

Conditions:
Hereditary cancer-predisposing syndrome. Also called: Hereditary neoplastic syndrome; Neoplastic Syndromes, Hereditary; Tumor predisposition; Hereditary Cancer Syndrome. Identifiers: Orphanet 140162, MedGen C0027672, MeSH D009386, MONDO:0015356.
Gorlin syndrome. Also called: Nevoid Basal Cell Carcinoma Syndrome; Basal cell nevus syndrome. Identifiers: Orphanet 377, MedGen C0004779, MONDO:0007187.

Submissions (2):

Ambry Genetics
Classification: Uncertain significance for Hereditary cancer-predisposing syndrome. Last evaluated: 2025-10-03. Review status: criteria provided, single submitter. Criteria: Ambry Variant Classification Scheme 2023. Collection method: clinical testing. Allele origin: germline.
Comment: The p.E280K variant (also known as c.838G>A), located in coding exon 6 of the PTCH1 gene, results from a G to A substitution at nucleotide position 838. The glutamic acid at codon 280 is replaced by lysine, an amino acid with similar properties. This amino acid position is conserved. In addition, this alteration is predicted to be deleterious by in silico analysis. Based on the available evidence, the clinical significance of this variant remains unclear.

Labcorp Genetics (formerly Invitae), Labcorp
Classification: Uncertain significance for Gorlin syndrome. Last evaluated: 2022-05-30. Review status: criteria provided, single submitter. Criteria: Invitae Variant Classification Sherloc (09022015). Collection method: clinical testing. Allele origin: germline.
Comment: Advanced modeling of protein sequence and biophysical properties (such as structural, functional, and spatial information, amino acid conservation, physicochemical variation, residue mobility, and thermodynamic stability) performed at Invitae indicates that this missense variant is not expected to disrupt PTCH1 protein function. This variant has not been reported in the literature in individuals affected with PTCH1-related conditions. This variant is not present in population databases (gnomAD no frequency). This sequence change replaces glutamic acid, which is acidic and polar, with lysine, which is basic and polar, at codon 280 of the PTCH1 protein (p.Glu280Lys). In summary, the available evidence is currently insufficient to determine the role of this variant in disease. Therefore, it has been classified as a Variant of Uncertain Significance.